The following is an entry in ClinVar:

ClinVar aggregate classification (germline): Likely pathogenic (1 of 4 stars; one submission).

Conditions:
Epilepsy, progressive myoclonic, 11. Identifiers: MedGen C5394362, MONDO:0030034, OMIM 618876.

Submission:

3billion
Classification: Likely pathogenic for Epilepsy, progressive myoclonic, 11. Last evaluated: 2023-09-01. Review status: criteria provided, single submitter. Criteria: ACMG Guidelines, 2015. Collection method: clinical testing. Allele origin: germline. Affected: yes.
Comment: The variant is not observed in the gnomAD v2.1.1 dataset. Predicted Consequence: Stop-gained (nonsense) - predicted to result in a loss or disruption of normal protein function through protein truncation. The predicted truncated protein may be shortened by more than 10%. The variant has been reported to be associated with SEMA6B related disorder (ClinVar ID: VCV001708937). Therefore, the variant is classified as likely pathogenic according to the recommendation of ACMG/AMP guideline.

NM_032108.4(SEMA6B):c.1977_1978delinsCT (p.Gln660Ter)

Gene: SEMA6B (semaphorin 6B; minus strand). Cytogenetic location: 19p13.3.
Variant type: Indel.
Coding change: c.1977_1978delinsCT on transcript NM_032108.4 (MANE Select); coding-DNA positions 1977 to 1978, GC replaced by CT.
Protein change: p.Gln660Ter; replaces glutamine 660 with a stop codon.
Molecular consequence: nonsense.
Genome position (GRCh38, 1-based): chr19:4,544,290-4,544,291, GC replaced by AG on the plus strand (GC replaced by CT on the coding strand, the reverse complement: SEMA6B is on the minus strand). VCF-style: chr19-4544290-GC-AG. GRCh37 (hg19) VCF-style: chr19-4544302-GC-AG.
Other names: short protein forms Q660*.
Identifiers: ClinVar variation 3775309 (VCV003775309.1).